The following is an entry in ClinVar:

ClinVar aggregate classification (germline): Uncertain significance (1 of 4 stars; one submission).

Allele frequency attached by ClinVar (database versions not stated): ExAC 0.00001; gnomAD 0.00001; gnomAD exomes 0.00001.
gnomAD v4.1: 12 of 1,613,638 alleles (0.00074%); highest among the groups gnomAD compares: East Asian, 0.0022%; no homozygotes.

Submission:

CeGaT Center for Human Genetics Tuebingen
Classification: Uncertain significance. Last evaluated: 2023-02-01. Review status: criteria provided, single submitter. Criteria: CeGaT Center For Human Genetics Tuebingen Variant Classification Criteria Version 2. Collection method: clinical testing. Allele origin: germline. Affected: yes. Observed: 1 variant allele.
Comment: PIKFYVE: PM2, BP1

NM_015040.4(PIKFYVE):c.6068G>A (p.Arg2023Gln)

Gene: PIKFYVE (phosphoinositide kinase, FYVE-type zinc finger containing; plus strand). Cytogenetic location: 2q34.
Variant type: single nucleotide variant.
Coding change: c.6068G>A on transcript NM_015040.4 (MANE Select); coding-DNA position 6068, G replaced by A.
Protein change: p.Arg2023Gln; replaces arginine 2023 with glutamine.
Molecular consequence: missense variant.
Genome position (GRCh38, 1-based): chr2:208,354,121, G>A. VCF-style: chr2-208354121-G-A. GRCh37 (hg19) VCF-style: chr2-209218845-G-A.
Other names: short protein forms R2023Q.
Identifiers: ClinVar variation 2651853 (VCV002651853.24), dbSNP rs756459252, ClinGen allele CA2080780.